The following is an entry in ClinVar:

NM_005120.3(MED12):c.3381G>T (p.Ser1127=)

Gene: MED12 (mediator complex subunit 12; plus strand). Cytogenetic location: Xq13.1.
Variant type: single nucleotide variant.
Coding change: c.3381G>T on transcript NM_005120.3 (MANE Select); coding-DNA position 3381, G replaced by T.
Protein change: p.Ser1127=; no amino-acid change (serine 1127 retained).
Molecular consequence: synonymous variant.
Genome position (GRCh38, 1-based): chrX:71,128,624, G>T. VCF-style: chrX-71128624-G-T. GRCh37 (hg19) VCF-style: chrX-70348474-G-T.
Identifiers: ClinVar variation 1164349 (VCV001164349.13), dbSNP rs369946933, ClinGen allele CA10444491.
Genomic context (GRCh38, chrX:71,128,624, plus strand): 5'-CTGAGTCATGGTGTCTGTCTGTTTTTTCCTCCAGGTCAGTGACCTATCTTTTCATGACTC[G>T]CTGGCTACTTTTGTTGCCATCCTCATCGCTCGGCAGTGTTTGCTCCTGGAAGATCTGATT-3'
Protein context (NP_005111.2, residues 1117-1137): VDVSDLSFHD[Ser1127=]LATFVAILIA

ClinVar aggregate classification (germline): Benign/Likely benign. Review status: criteria provided, multiple submitters, no conflicts (2 of 4 stars). 3 submissions from 3 submitters: Benign (1); Likely benign (1). 1 of the submissions does not count toward it. Last evaluated 2024-11-23.

Conditions:
Familial thoracic aortic aneurysm and aortic dissection (TAAD). Also called: Thoracic aortic aneurysms and dissections. Identifiers: Orphanet 91387, MedGen C4707243, MONDO:0019625.
FG syndrome (FGS). Identifiers: MedGen C0220769, MONDO:0002010.
MED12-Related Disorders. Also called: MED12-related condition; MED12-related disorder. Identifiers: MedGen CN381102.

Allele frequency attached by ClinVar (database versions not stated): gnomAD exomes 0.00003; ESP Exome Variant Server 0.00010; ExAC 0.00002.
gnomAD v4.1: 11 of 1,208,801 alleles (0.00091%); highest among the groups gnomAD compares: East Asian, 0.021%; no homozygotes.

Submissions (3):

Labcorp Genetics (formerly Invitae), Labcorp
Classification: Benign for FG syndrome. Last evaluated: 2024-11-23. Review status: criteria provided, single submitter. Criteria: Invitae Variant Classification Sherloc (09022015). Collection method: clinical testing. Allele origin: germline.

Ambry Genetics
Classification: Likely benign for Familial thoracic aortic aneurysm and aortic dissection. Last evaluated: 2019-07-23. Review status: criteria provided, single submitter. Criteria: Ambry Variant Classification Scheme 2023. Collection method: clinical testing. Allele origin: germline.

PreventionGenetics, part of Exact Sciences
Classification: Likely benign for MED12-related condition. Last evaluated: 2019-09-17. Review status: no assertion criteria provided. Collection method: clinical testing. Allele origin: germline. Not counted in ClinVar's aggregate classification.
Comment: This variant is classified as likely benign based on ACMG/AMP sequence variant interpretation guidelines (Richards et al. 2015 PMID: 25741868, with internal and published modifications).